The following is an entry in ClinVar:

ClinVar aggregate classification (germline): Uncertain significance. Review status: criteria provided, multiple submitters, no conflicts (2 of 4 stars). 2 submissions from 2 submitters: Uncertain significance (2). Last evaluated 2024-08-13.

Conditions:
Pheochromocytoma/paraganglioma syndrome 3. Also called: GLOMUS TUMORS, FAMILIAL, 3; Paragangliomas 3; SDHC-Related Hereditary Paraganglioma-Pheochromocytoma Syndrome (Paragangliomas 3); SDHC-Related Hereditary Paraganglioma-Pheochromocytoma Syndrome. Identifiers: Orphanet 29072, MedGen C1854336, MONDO:0011544, OMIM 605373.
Gastrointestinal stromal tumor. Also called: Gastrointestinal stromal tumor, somatic; Gastrointestinal stroma tumor. Identifiers: Orphanet 44890, MedGen C0238198, MeSH D046152, MONDO:0011719, OMIM 606764, HP:0100723.

Submissions (2):

Labcorp Genetics (formerly Invitae), Labcorp
Classification: Uncertain significance for Pheochromocytoma/paraganglioma syndrome 3; Gastrointestinal stromal tumor. Last evaluated: 2024-08-13. Review status: criteria provided, single submitter. Criteria: Invitae Variant Classification Sherloc (09022015). Collection method: clinical testing. Allele origin: germline.
Comment: This sequence change replaces threonine, which is neutral and polar, with lysine, which is basic and polar, at codon 33 of the SDHC protein (p.Thr33Lys). This variant is not present in population databases (gnomAD no frequency). This variant has not been reported in the literature in individuals affected with SDHC-related conditions. ClinVar contains an entry for this variant (Variation ID: 857731). An algorithm developed to predict the effect of missense changes on protein structure and function (PolyPhen-2) suggests that this variant is likely to be disruptive. In summary, the available evidence is currently insufficient to determine the role of this variant in disease. Therefore, it has been classified as a Variant of Uncertain Significance.

GeneDx
Classification: Uncertain significance. Last evaluated: 2023-12-19. Review status: criteria provided, single submitter. Criteria: GeneDx Variant Classification Process June 2021. Collection method: clinical testing. Allele origin: germline. Affected: yes.
Comment: Not observed at significant frequency in large population cohorts (gnomAD); In silico analysis supports that this missense variant has a deleterious effect on protein structure/function; Has not been previously published as pathogenic or benign to our knowledge

NM_003001.5(SDHC):c.98C>A (p.Thr33Lys)

Gene: SDHC (succinate dehydrogenase complex subunit C; plus strand). Cytogenetic location: 1q23.3.
Variant type: single nucleotide variant.
Coding change: c.98C>A on transcript NM_003001.5 (MANE Select); coding-DNA position 98, C replaced by A.
Protein change: p.Thr33Lys; replaces threonine 33 with lysine.
Molecular consequence: missense variant. On other transcripts: 5 prime UTR variant (2), non-coding transcript variant (1), intron variant (4).
Genome position (GRCh38, 1-based): chr1:161,328,416, C>A. VCF-style: chr1-161328416-C-A. GRCh37 (hg19) VCF-style: chr1-161298206-C-A.
Other names: c.98C>A, p.Thr33Lys (NM_001035511.3, NM_001407115.1); c.41C>A, p.Thr14Lys (NM_001407116.1, NM_001407117.1, NM_001407121.1); c.-14C>A (NM_001407119.1, NM_001407120.1); c.77+4746C>A (NM_001035512.3, NM_001278172.3, NM_001407118.1); c.21-12178C>A (NM_001035513.3); short protein forms T33K, T14K.
Identifiers: ClinVar variation 857731 (VCV000857731.12), dbSNP rs148566767, ClinGen allele CA343360915.